The following is an entry in ClinVar:

ClinVar aggregate classification (germline): Uncertain significance (1 of 4 stars; one submission).

Conditions:
Cardiovascular phenotype. Identifiers: MedGen CN230736.

gnomAD v4.1: 1 of 1,614,026 alleles (0.000062%); highest among the groups gnomAD compares: African/African-American, 0.0013%; no homozygotes.

Submission:

Ambry Genetics
Classification: Uncertain significance for Cardiovascular phenotype. Last evaluated: 2025-09-28. Review status: criteria provided, single submitter. Criteria: Ambry Variant Classification Scheme 2023. Collection method: clinical testing. Allele origin: germline.
Comment: The p.S1520R variant (also known as c.4560C>G) is located in coding exon 32 of the ABCA1 gene. The serine at codon 1520 is replaced by arginine, an amino acid with dissimilar properties. This change occurs in the first base pair of coding exon 32. This amino acid position is conserved. In addition, this alteration is predicted to be deleterious by in silico analysis. Based on the available evidence, the clinical significance of this variant remains unclear.

NM_005502.4(ABCA1):c.4560C>G (p.Ser1520Arg)

Gene: ABCA1 (ATP binding cassette subfamily A member 1; minus strand). Cytogenetic location: 9q31.1.
Variant type: single nucleotide variant.
Coding change: c.4560C>G on transcript NM_005502.4 (MANE Select); coding-DNA position 4560, C replaced by G.
Protein change: p.Ser1520Arg; replaces serine 1520 with arginine.
Molecular consequence: missense variant.
Genome position (GRCh38, 1-based): chr9:104,803,316, G>C on the plus strand (C>G on the coding strand, the complement: ABCA1 is on the minus strand). VCF-style: chr9-104803316-G-C. GRCh37 (hg19) VCF-style: chr9-107565597-G-C.
Other names: short protein forms S1520R.
Identifiers: ClinVar variation 4613274 (VCV004613274.1).